The following is an entry in ClinVar:

ClinVar aggregate classification (germline): Uncertain significance. Review status: criteria provided, multiple submitters, no conflicts (2 of 4 stars). 2 submissions from 2 submitters: Uncertain significance (2). Last evaluated 2023-12-18.

Conditions:
Marfan syndrome (MFS). Also called: MARFAN SYNDROME, TYPE I; Marfan syndrome type 1; Marfan's syndrome; Marfan syndrome, classic; FBN1-Related Marfan Syndrome. Identifiers: Orphanet 284963, Orphanet 558, MedGen C0024796, MONDO:0007947, OMIM 154700.
Familial thoracic aortic aneurysm and aortic dissection (TAAD). Also called: Thoracic aortic aneurysms and dissections. Identifiers: Orphanet 91387, MedGen C4707243, MONDO:0019625.

Submissions (2):

All of Us Research Program, National Institutes of Health
Classification: Uncertain significance for Marfan syndrome. Last evaluated: 2023-12-18. Review status: criteria provided, single submitter. Criteria: ACMG Guidelines, 2015. Collection method: clinical testing. Allele origin: germline. Inheritance: Autosomal dominant inheritance. Observed: 1 variant allele, 1 heterozygote.
Comment: This missense variant replaces methionine with valine at codon 1107 of the FBN1 protein. Computational prediction is inconclusive regarding the impact of this variant on protein structure and function (internally defined REVEL score threshold 0.5 < inconclusive < 0.7, PMID: 27666373). To our knowledge, functional studies have not been reported for this variant. This variant has not been reported in individuals affected with FBN1-related disorders in the literature. This variant has not been identified in the general population by the Genome Aggregation Database (gnomAD). The available evidence is insufficient to determine the role of this variant in disease conclusively. Therefore, this variant is classified as a Variant of Uncertain Significance.

This study involves interpretation of variants in research participants for the purpose of population health screening. Participant phenotype was not available at the time of variant classification. Additional details can be found in publication PMID: 35346344, PMCID: PMC8962531

Labcorp Genetics (formerly Invitae), Labcorp
Classification: Uncertain significance for Marfan syndrome; Familial thoracic aortic aneurysm and aortic dissection. Last evaluated: 2023-09-13. Review status: criteria provided, single submitter. Criteria: Invitae Variant Classification Sherloc (09022015). Collection method: clinical testing. Allele origin: germline.
Comment: In summary, the available evidence is currently insufficient to determine the role of this variant in disease. Therefore, it has been classified as a Variant of Uncertain Significance. Advanced modeling of protein sequence and biophysical properties (such as structural, functional, and spatial information, amino acid conservation, physicochemical variation, residue mobility, and thermodynamic stability) has been performed at Invitae for this missense variant, however the output from this modeling did not meet the statistical confidence thresholds required to predict the impact of this variant on FBN1 protein function. This variant has not been reported in the literature in individuals affected with FBN1-related conditions. This variant is not present in population databases (gnomAD no frequency). This sequence change replaces methionine, which is neutral and non-polar, with valine, which is neutral and non-polar, at codon 1107 of the FBN1 protein (p.Met1107Val).

NM_000138.5(FBN1):c.3319A>G (p.Met1107Val)

Gene: FBN1 (fibrillin 1; minus strand). Cytogenetic location: 15q21.1.
Variant type: single nucleotide variant.
Coding change: c.3319A>G on transcript NM_000138.5 (MANE Select); coding-DNA position 3319, A replaced by G.
Protein change: p.Met1107Val; replaces methionine 1107 with valine.
Molecular consequence: missense variant.
Genome position (GRCh38, 1-based): chr15:48,488,131, T>C on the plus strand (A>G on the coding strand, the complement: FBN1 is on the minus strand). VCF-style: chr15-48488131-T-C. GRCh37 (hg19) VCF-style: chr15-48780328-T-C.
Other names: c.3319A>G, p.Met1107Val (NM_001406716.1); short protein forms M1107V.
Identifiers: ClinVar variation 2951903 (VCV002951903.4), dbSNP rs2505552430, ClinGen allele CA392327050.